The following is an entry in ClinVar:

NM_000264.5(PTCH1):c.3456C>A (p.Phe1152Leu)

Gene: PTCH1 (patched 1; minus strand). Cytogenetic location: 9q22.32.
Variant type: single nucleotide variant.
Coding change: c.3456C>A on transcript NM_000264.5 (MANE Select); coding-DNA position 3456, C replaced by A.
Protein change: p.Phe1152Leu; replaces phenylalanine 1152 with leucine.
Molecular consequence: missense variant. On other transcripts: non-coding transcript variant (1).
Genome position (GRCh38, 1-based): chr9:95,449,934, G>T on the plus strand (C>A on the coding strand, the complement: PTCH1 is on the minus strand). VCF-style: chr9-95449934-G-T. GRCh37 (hg19) VCF-style: chr9-98212216-G-T.
Other names: c.3258C>A, p.Phe1086Leu (NM_001083602.3); c.3453C>A, p.Phe1151Leu (NM_001083603.3); c.3003C>A, p.Phe1001Leu (NM_001083604.3, NM_001083605.3, NM_001083606.3 and 1 more transcripts); c.3300C>A, p.Phe1100Leu (NM_001354918.2); short protein forms F1100L, F1151L, F1001L, F1086L, F1152L.
Identifiers: ClinVar variation 3939921 (VCV003939921.2).

ClinVar aggregate classification (germline): Likely pathogenic (1 of 4 stars; one submission).

Conditions:
Hereditary cancer-predisposing syndrome. Also called: Hereditary Cancer Syndrome; Hereditary neoplastic syndrome; Neoplastic Syndromes, Hereditary; Tumor predisposition. Identifiers: Orphanet 140162, MedGen C0027672, MeSH D009386, MONDO:0015356.

gnomAD v4.1: 1 of 1,614,028 alleles (0.000062%); highest among the groups gnomAD compares: Non-Finnish European, 0.000085%; no homozygotes.

Submission:

Ambry Genetics
Classification: Likely pathogenic for Hereditary cancer-predisposing syndrome. Last evaluated: 2026-07-16. Review status: criteria provided, single submitter. Criteria: Ambry Variant Classification Scheme 2023. Collection method: clinical testing. Allele origin: germline.
Comment: The p.F1152L variant (also known as c.3456C>A), located in coding exon 21 of the PTCH1 gene, results from a C to A substitution at nucleotide position 3456. The phenylalanine at codon 1152 is replaced by leucine, an amino acid with highly similar properties. This variant was reported in individuals with features consistent with PTCH1-related nevoid basal cell carcinoma syndrome (Ambry internal data). This amino acid position is conserved. In addition, this alteration is predicted to be deleterious by in silico analysis. Based on the majority of available evidence to date, this variant is likely to be pathogenic.